The following continues an entry in ClinVar:

NM_001165963.4(SCN1A):c.5536_5539del (p.Lys1846fs)

ClinVar aggregate classification (germline): Pathogenic. Pathogenic (14).

Submissions 12 to 14 of 14:

Ambry Genetics
Classification: Pathogenic for Inborn genetic diseases. Last evaluated: 2017-08-03. Review status: criteria provided, single submitter. Criteria: Ambry Variant Classification Scheme 2023. Collection method: clinical testing. Allele origin: germline.
Comment: The c.5536_5539delAAAC pathogenic mutation, located in coding exon 26 of the SCN1A gene, results from a deletion of 4 nucleotides at nucleotide positions 5536 to 5539, causing a translational frameshift with a predicted alternate stop codon (p.K1846Sfs*11). This mutation has been detected in several individuals with Dravet syndrome, severe myoclonic epilepsy of infancy, and/or epileptic encephalopathy (Claes L et al. Am. J. Hum. Genet., 2001 Jun;68:1327-32; Heron SE et al. J. Med. Genet., 2010 Feb;47:137-41; Claes LR et al. Hum. Mutat., 2009 Oct;30:E904-20); Sun H et al. J. Hum. Genet., 2010 Jul;55:421-7; Spatola M et al. Eur. Neurol., 2013 Nov;69:119-21; Catarino CB et al. Brain, 2011 Oct;134:2982-3010; Wallace RH et al. Neurology, 2003 Sep;61:765-9). In addition to the clinical data presented in the literature, this alteration is expected to result in loss of function by premature protein truncation or nonsense-mediated mRNA decay. As such, this alteration is interpreted as a disease-causing mutation.

Center for Bioinformatics, Peking University
Classification: Pathogenic for Dravet syndrome. Last evaluated: 2014-12-20. Review status: criteria provided, single submitter. Criteria: Xu et al. (Hum Mutat. 2015). Collection method: research. Allele origin: de novo. Affected: yes. Observed: 4 variant alleles. Study: University Clinical Cooperation “985 Project” PKU-2014-1-1.
Comment: Dravet syndrome (DS) probands were recruited from the outpatient and inpatient child neurology units of Peking University First Hospital from 2005 till present. The study was approved by the Ethics Committee of Peking University First Hospital and the Institutional Review Board at Peking University. Participants or their parents provided written informed consent before enrollment. We collected a total of 267 mutations from 255 families with probands diagnosed with DS in China. All probands fulfilled the clinical diagnostic criteria.

Lifecell International Pvt. Ltd
Classification: Pathogenic for Severe myoclonic epilepsy in infancy. Review status: criteria provided, single submitter. Criteria: ACMG Guidelines, 2015. Collection method: clinical testing. Allele origin: germline. Inheritance: Autosomal dominant inheritance. Affected: yes. Observed: 1 variant allele, 1 heterozygote.
Comment: A heterozygous one-base pair deletion in exon 29 of the SCN1A gene (c.5536_5539delAAAC) that results in a frameshift and premature truncation of the protein 11 amino acids downstream to codon 1846(p.K1846SfsTer11) was detected. This frameshift variant is not reported in both the 1000 genomes and gnomAD databases. This variant is predicted to be damaging by Mutation taster and the region is conserved across species. There are 14 downstream pathogenic loss of function variants, with the furthest variant being 80 residues downstream of this variant. This indicates that the region is critical to protein function. This gene has a low rate of benign loss of function variants as indicated by a low upper bound of the observed/expected confidence interval 0.07. The observed variant is a loss of function variant in this gene, which is intolerant of Loss of Function variants, as indicated by the presence of existing pathogenic loss of function variant NP_001159435.1:p.M1I and 448 others. The observed variant has been previously classified as Pathogenic in ClinVar (Variation ID 189881 as of 2021-03-04) with respect to severe myoclonic epilepsy in infancy and 2 other conditions with a status of (2 stars) criteria provided, multiple submitters, no conflicts. Based on the above evidence this variant has been classified as pathogenic according to the ACMG guidelines.

Literature cited by the submitters: PubMed 11359211 (cited by 5 submitters); PubMed 14504318 (cited by 4 submitters); PubMed 21719429 (cited by 6 submitters); PubMed 26731440 (cited by Variantyx, Inc.); PubMed 38785537 (cited by Variantyx, Inc. and Athena Diagnostics); PubMed 34145886 (cited by 3 submitters); PubMed 30945278 (cited by Variantyx, Inc. and Athena Diagnostics); PubMed 31440721 (cited by Variantyx, Inc.); PubMed 31765958 (cited by Variantyx, Inc. and Athena Diagnostics); PubMed 31864146 (cited by Variantyx, Inc. and Athena Diagnostics); PubMed 32090326 (cited by Variantyx, Inc. and Athena Diagnostics); PubMed 35701389 (cited by 3 submitters); PubMed 35886038 (cited by 3 submitters); PubMed 38891831 (cited by Variantyx, Inc. and Athena Diagnostics); PubMed 39299018 (cited by Variantyx, Inc.); PubMed 35074891 (cited by Athena Diagnostics); PubMed 30176532 (cited by Athena Diagnostics); PubMed 33057194 (cited by Athena Diagnostics); PubMed 34926809 (cited by Athena Diagnostics); PubMed 34055682 (cited by Athena Diagnostics and Illumina Laboratory Services, Illumina); PubMed 31031587 (cited by Athena Diagnostics); PubMed 18413471 (cited by Illumina Laboratory Services, Illumina and Victorian Clinical Genetics Services, Murdoch Childrens Research Institute); PubMed 20431604 (cited by Illumina Laboratory Services, Illumina and Ambry Genetics); PubMed 28488083 (cited by Victorian Clinical Genetics Services, Murdoch Childrens Research Institute); PubMed 29141279 (cited by Victorian Clinical Genetics Services, Murdoch Childrens Research Institute); PubMed 19585586 (cited by Ambry Genetics); PubMed 19589774 (cited by Ambry Genetics); PubMed 23207687 (cited by Ambry Genetics).